The following is an entry in ClinVar:

NM_000124.4(ERCC6):c.2648T>G (p.Leu883Arg)

Gene: ERCC6 (ERCC excision repair 6, chromatin remodeling factor; minus strand). Cytogenetic location: 10q11.23.
Variant type: single nucleotide variant.
Coding change: c.2648T>G on transcript NM_000124.4 (MANE Select); coding-DNA position 2648, T replaced by G.
Protein change: p.Leu883Arg; replaces leucine 883 with arginine.
Molecular consequence: missense variant.
Genome position (GRCh38, 1-based): chr10:49,473,538, A>C on the plus strand (T>G on the coding strand, the complement: ERCC6 is on the minus strand). VCF-style: chr10-49473538-A-C. GRCh37 (hg19) VCF-style: chr10-50681584-A-C.
Other names: c.2648T>G, p.Leu883Arg (NM_001346440.2); short protein forms L883R.
Identifiers: ClinVar variation 1048880 (VCV001048880.6), dbSNP rs2132541065, ClinGen allele CA376720148.

ClinVar aggregate classification (germline): Uncertain significance. Review status: criteria provided, single submitter (1 of 4 stars). 2 submissions from 2 submitters: Uncertain significance (1). 1 of the submissions does not count toward it. Last evaluated 2022-11-08.

Allele frequency attached by ClinVar (database versions not stated): gnomAD exomes below 0.00001.
gnomAD v4.1: 1 of 1,613,406 alleles (0.000062%); highest among the groups gnomAD compares: Non-Finnish European, 0.000085%; no homozygotes.

Submissions (2):

Labcorp Genetics (formerly Invitae), Labcorp
Classification: Uncertain significance. Last evaluated: 2022-11-08. Review status: criteria provided, single submitter. Criteria: Invitae Variant Classification Sherloc (09022015). Collection method: clinical testing. Allele origin: germline.
Comment: This variant has not been reported in the literature in individuals affected with ERCC6-related conditions. In summary, the available evidence is currently insufficient to determine the role of this variant in disease. Therefore, it has been classified as a Variant of Uncertain Significance. Advanced modeling of protein sequence and biophysical properties (such as structural, functional, and spatial information, amino acid conservation, physicochemical variation, residue mobility, and thermodynamic stability) has been performed at Invitae for this missense variant, however the output from this modeling did not meet the statistical confidence thresholds required to predict the impact of this variant on ERCC6 protein function. ClinVar contains an entry for this variant (Variation ID: 1048880). This variant is not present in population databases (gnomAD no frequency). This sequence change replaces leucine, which is neutral and non-polar, with arginine, which is basic and polar, at codon 883 of the ERCC6 protein (p.Leu883Arg).

Department of Pathology and Laboratory Medicine, Sinai Health System
Classification: Uncertain significance. Review status: no assertion criteria provided. Collection method: clinical testing. Allele origin: unknown. Affected: yes. Study: The Canadian Open Genetics Repository (COGR). Not counted in ClinVar's aggregate classification.
Comment: The ERCC6 p.Leu883Arg variant was not identified in the literature nor was it identified in dbSNP, ClinVar or in the following control databases: the 1000 Genomes Project, the NHLBI GO Exome Sequencing Project, or the Genome Aggregation Database (March 6, 2019, v2.1.1). The p.Leu883 residue is conserved across mammals and other organisms, and computational analyses (PolyPhen-2, SIFT, AlignGVGD, BLOSUM, MutationTaster) suggest that the variant may impact the protein; however, this information is not predictive enough to assume pathogenicity. The variant occurs outside of the splicing consensus sequence and 1 of 4 in silico or computational prediction software programs (SpliceSiteFinder, MaxEntScan, NNSPLICE, GeneSplicer) predict a greater than 10% difference in splicing; this is not very predictive of pathogenicity. In summary, based on the above information the clinical significance of this variant cannot be determined with certainty at this time. This variant is classified as a variant of uncertain significance.